The following is an entry in ClinVar:

NM_000562.3(C8A):c.1616A>T (p.Asp539Val)

Gene: C8A (complement C8 alpha chain; plus strand). Cytogenetic location: 1p32.2.
Variant type: single nucleotide variant.
Coding change: c.1616A>T on transcript NM_000562.3 (MANE Select); coding-DNA position 1616, A replaced by T.
Protein change: p.Asp539Val; replaces aspartic acid 539 with valine.
Molecular consequence: missense variant.
Genome position (GRCh38, 1-based): chr1:56,917,577, A>T. VCF-style: chr1-56917577-A-T. GRCh37 (hg19) VCF-style: chr1-57383250-A-T.
Other names: short protein forms D539V.
Identifiers: ClinVar variation 2096617 (VCV002096617.3), dbSNP rs764690632, ClinGen allele CA875459.

ClinVar aggregate classification (germline): Uncertain significance (1 of 4 stars; one submission).

Allele frequency attached by ClinVar (database versions not stated): ExAC 0.00001.
gnomAD v4.1: 2 of 1,614,158 alleles (0.00012%); highest among the groups gnomAD compares: Non-Finnish European, 0.00017%; no homozygotes.

Submission:

Labcorp Genetics (formerly Invitae), Labcorp
Classification: Uncertain significance. Last evaluated: 2022-06-22. Review status: criteria provided, single submitter. Criteria: Invitae Variant Classification Sherloc (09022015). Collection method: clinical testing. Allele origin: germline.
Comment: This sequence change replaces aspartic acid, which is acidic and polar, with valine, which is neutral and non-polar, at codon 539 of the C8A protein (p.Asp539Val). In summary, the available evidence is currently insufficient to determine the role of this variant in disease. Therefore, it has been classified as a Variant of Uncertain Significance. Algorithms developed to predict the effect of missense changes on protein structure and function are either unavailable or do not agree on the potential impact of this missense change (SIFT: "Deleterious"; PolyPhen-2: "Possibly Damaging"; Align-GVGD: "Class C0"). This variant has not been reported in the literature in individuals affected with C8A-related conditions. This variant is present in population databases (rs764690632, gnomAD 0.0009%).